The following is an entry in ClinVar:

NM_020433.5(JPH2):c.685A>G (p.Lys229Glu)

Gene: JPH2 (junctophilin 2; minus strand). Cytogenetic location: 20q13.12.
Variant type: single nucleotide variant.
Coding change: c.685A>G on transcript NM_020433.5 (MANE Select); coding-DNA position 685, A replaced by G.
Protein change: p.Lys229Glu; replaces lysine 229 with glutamic acid.
Molecular consequence: missense variant.
Genome position (GRCh38, 1-based): chr20:44,160,102, T>C on the plus strand (A>G on the coding strand, the complement: JPH2 is on the minus strand). VCF-style: chr20-44160102-T-C. GRCh37 (hg19) VCF-style: chr20-42788742-T-C.
Other names: short protein forms K229E.
Identifiers: ClinVar variation 3112468 (VCV003112468.2), dbSNP rs2515744859, ClinGen allele CA409093890.

ClinVar aggregate classification (germline): Uncertain significance (1 of 4 stars; one submission).

Conditions:
Cardiovascular phenotype. Identifiers: MedGen CN230736.

Submission:

Ambry Genetics
Classification: Uncertain significance for Cardiovascular phenotype. Last evaluated: 2024-06-03. Review status: criteria provided, single submitter. Criteria: Ambry Variant Classification Scheme 2023. Collection method: clinical testing. Allele origin: germline.
Comment: The p.K229E variant (also known as c.685A>G), located in coding exon 2 of the JPH2 gene, results from an A to G substitution at nucleotide position 685. The lysine at codon 229 is replaced by glutamic acid, an amino acid with similar properties. This amino acid position is conserved. In addition, this alteration is predicted to be tolerated by in silico analysis. Based on the available evidence, the clinical significance of this variant remains unclear.